The following is an entry in ClinVar:

NM_004991.4(MECOM):c.583C>T (p.Pro195Ser)

Gene: MECOM (MDS1 and EVI1 complex locus; minus strand). Cytogenetic location: 3q26.2.
Variant type: single nucleotide variant.
Coding change: c.583C>T on transcript NM_004991.4 (MANE Select); coding-DNA position 583, C replaced by T.
Protein change: p.Pro195Ser; replaces proline 195 with serine.
Molecular consequence: missense variant.
Genome position (GRCh38, 1-based): chr3:169,131,459, G>A on the plus strand (C>T on the coding strand, the complement: MECOM is on the minus strand). VCF-style: chr3-169131459-G-A. GRCh37 (hg19) VCF-style: chr3-168849247-G-A.
Other names: c.211C>T, p.Pro71Ser (NM_001105077.4); c.19C>T, p.Pro7Ser (NM_001105078.4, NM_001163999.2, NM_001164000.2 and 9 more transcripts); c.583C>T, p.Pro195Ser (NM_001366466.2, NM_001366473.2); short protein forms P71S, P7S, P195S.
Identifiers: ClinVar variation 4053070 (VCV004053070.1).
Genomic context (GRCh38, chr3:169,131,459, plus strand): 5'-GATAAGGAGGGTGGCGTGAGTGGTACTAACCGTGGATATCCGGCGCCATAGTTTCATGGG[G>A]ATAGTCTTCGCTCTTCATGAACAGCAGAAGCTCCTCTCCCGGCGCAATGTCTGCAACTAC-3'
Protein context (NP_004982.2, residues 185-205): LLLFMKSEDY[Pro195Ser]HETMAPDIHE

ClinVar aggregate classification (germline): Uncertain significance (1 of 4 stars; one submission).

Conditions:
Inborn genetic diseases. Identifiers: MedGen C0950123, MeSH D030342.

Submission:

Ambry Genetics
Classification: Uncertain significance for Inborn genetic diseases. Last evaluated: 2025-03-16. Review status: criteria provided, single submitter. Criteria: Ambry Variant Classification Scheme 2023. Collection method: clinical testing. Allele origin: germline.
Comment: The p.P195S variant (also known as c.583C>T), located in coding exon 4 of the MECOM gene, results from a C to T substitution at nucleotide position 583. The proline at codon 195 is replaced by serine, an amino acid with similar properties. This amino acid position is conserved. In addition, this alteration is predicted to be tolerated by in silico analysis. Based on the available evidence, the clinical significance of this variant remains unclear.